The following is an entry in ClinVar:

NM_182493.3(MYLK3):c.2425G>A (p.Ala809Thr)

Gene: MYLK3 (myosin light chain kinase 3; minus strand). Cytogenetic location: 16q11.2.
Variant type: single nucleotide variant.
Coding change: c.2425G>A on transcript NM_182493.3 (MANE Select); coding-DNA position 2425, G replaced by A.
Protein change: p.Ala809Thr; replaces alanine 809 with threonine.
Molecular consequence: missense variant.
Genome position (GRCh38, 1-based): chr16:46,707,739, C>T on the plus strand (G>A on the coding strand, the complement: MYLK3 is on the minus strand). VCF-style: chr16-46707739-C-T. GRCh37 (hg19) VCF-style: chr16-46741651-C-T.
Other names: c.1402G>A, p.Ala468Thr (NM_001308301.1); short protein forms A809T, A468T.
Identifiers: ClinVar variation 1463005 (VCV001463005.6), dbSNP rs769993017, ClinGen allele CA8037595.

ClinVar aggregate classification (germline): Uncertain significance (1 of 4 stars; one submission).

Allele frequency attached by ClinVar (database versions not stated): gnomAD 0.00001; gnomAD exomes 0.00001 and 0.00003; TOPMed 0.00002; ExAC 0.00004.
gnomAD v4.1: 12 of 1,612,768 alleles (0.00074%); highest among the groups gnomAD compares: East Asian, 0.027%; no homozygotes.

Submission:

Labcorp Genetics (formerly Invitae), Labcorp
Classification: Uncertain significance. Last evaluated: 2022-09-01. Review status: criteria provided, single submitter. Criteria: Invitae Variant Classification Sherloc (09022015). Collection method: clinical testing. Allele origin: germline.
Comment: This sequence change replaces alanine, which is neutral and non-polar, with threonine, which is neutral and polar, at codon 809 of the MYLK3 protein (p.Ala809Thr). This variant is present in population databases (rs769993017, gnomAD 0.05%). This variant has not been reported in the literature in individuals affected with MYLK3-related conditions. ClinVar contains an entry for this variant (Variation ID: 1463005). Algorithms developed to predict the effect of missense changes on protein structure and function are either unavailable or do not agree on the potential impact of this missense change (SIFT: "Tolerated"; PolyPhen-2: "Probably Damaging"; Align-GVGD: "Class C0"). In summary, the available evidence is currently insufficient to determine the role of this variant in disease. Therefore, it has been classified as a Variant of Uncertain Significance.